The following is an entry in ClinVar:

ClinVar aggregate classification (germline): Uncertain significance (1 of 4 stars; one submission).

Conditions:
Hereditary cancer-predisposing syndrome. Also called: Hereditary Cancer Syndrome; Hereditary neoplastic syndrome; Neoplastic Syndromes, Hereditary; Tumor predisposition. Identifiers: Orphanet 140162, MedGen C0027672, MeSH D009386, MONDO:0015356.
Carney complex, type 1 (CNC1). Also called: CARNEY MYXOMA-ENDOCRINE COMPLEX; CARNEY COMPLEX, TYPE I. Identifiers: Orphanet 1359, MedGen C2607929, MONDO:0008057, OMIM 160980.
Pigmented nodular adrenocortical disease, primary, 1 (PPNAD1). Also called: ADRENOCORTICAL NODULAR DYSPLASIA, PRIMARY; CUSHING SYNDROME, ADRENAL, DUE TO PPNAD1; PIGMENTED MICRONODULAR ADRENOCORTICAL DISEASE, PRIMARY, 1. Identifiers: Orphanet 189439, MedGen C1864846, MONDO:0012509, OMIM 610489.

Allele frequency attached by ClinVar (database versions not stated): gnomAD 0.00001; gnomAD exomes 0.00001.
gnomAD v4.1: 5 of 1,613,980 alleles (0.00031%); highest among the groups gnomAD compares: Non-Finnish European, 0.00042%; no homozygotes.

Submission:

Ambry Genetics
Classification: Uncertain significance for Hereditary cancer-predisposing syndrome. Last evaluated: 2025-08-22. Review status: criteria provided, single submitter. Criteria: Ambry Variant Classification Scheme 2023. Collection method: clinical testing. Allele origin: germline.
Comment: The p.F158C variant (also known as c.473T>G), located in coding exon 4 of the PRKAR1A gene, results from a T to G substitution at nucleotide position 473. The phenylalanine at codon 158 is replaced by cysteine, an amino acid with highly dissimilar properties. This amino acid position is not well conserved in available vertebrate species. In addition, the in silico prediction for this alteration is inconclusive. Based on the available evidence, the clinical significance of this variant remains unclear.

NM_002734.5(PRKAR1A):c.473T>G (p.Phe158Cys)

Gene: PRKAR1A (protein kinase cAMP-dependent type I regulatory subunit alpha; plus strand). Cytogenetic location: 17q24.2.
Variant type: single nucleotide variant.
Coding change: c.473T>G on transcript NM_002734.5 (MANE Select); coding-DNA position 473, T replaced by G.
Protein change: p.Phe158Cys; replaces phenylalanine 158 with cysteine.
Molecular consequence: missense variant.
Genome position (GRCh38, 1-based): chr17:68,524,048, T>G. VCF-style: chr17-68524048-T-G. GRCh37 (hg19) VCF-style: chr17-66520189-T-G.
Other names: c.473T>G, p.Phe158Cys (NM_001276289.2, NM_001276290.1, NM_001278433.2 and 4 more transcripts); short protein forms F158C.
Identifiers: ClinVar variation 1742767 (VCV001742767.5), dbSNP rs1269379592, ClinGen allele CA400752846.